The following is an entry in ClinVar:

ClinVar aggregate classification (germline): Uncertain significance (1 of 4 stars; one submission).

Submission:

Labcorp Genetics (formerly Invitae), Labcorp
Classification: Uncertain significance. Last evaluated: 2025-03-16. Review status: criteria provided, single submitter. Criteria: Invitae Variant Classification Sherloc (09022015). Collection method: clinical testing. Allele origin: germline.
Comment: This sequence change replaces serine, which is neutral and polar, with cysteine, which is neutral and slightly polar, at codon 1606 of the NALCN protein (p.Ser1606Cys). This variant is not present in population databases (gnomAD no frequency). This variant has not been reported in the literature in individuals affected with NALCN-related conditions. Invitae Evidence Modeling of protein sequence and biophysical properties (such as structural, functional, and spatial information, amino acid conservation, physicochemical variation, residue mobility, and thermodynamic stability) indicates that this missense variant is not expected to disrupt NALCN protein function with a negative predictive value of 80%. In summary, the available evidence is currently insufficient to determine the role of this variant in disease. Therefore, it has been classified as a Variant of Uncertain Significance.

NM_052867.4(NALCN):c.4816A>T (p.Ser1606Cys)

Gene: NALCN (sodium leak channel, non-selective; minus strand). Cytogenetic location: 13q32.3.
Variant type: single nucleotide variant.
Coding change: c.4816A>T on transcript NM_052867.4 (MANE Select); coding-DNA position 4816, A replaced by T.
Protein change: p.Ser1606Cys; replaces serine 1606 with cysteine.
Molecular consequence: missense variant.
Genome position (GRCh38, 1-based): chr13:101,059,907, T>A on the plus strand (A>T on the coding strand, the complement: NALCN is on the minus strand). VCF-style: chr13-101059907-T-A. GRCh37 (hg19) VCF-style: chr13-101712259-T-A.
Other names: c.4903A>T, p.Ser1635Cys (NM_001350748.2); c.4816A>T, p.Ser1606Cys (NM_001350749.2); c.4729A>T, p.Ser1577Cys (NM_001350750.2, NM_001350751.2); short protein forms S1577C, S1606C, S1635C.
Identifiers: ClinVar variation 4742850 (VCV004742850.1).
Genomic context (GRCh38, chr13:101,059,907, plus strand): 5'-TGGCATTCGTGTCCTCACTGGGCTGGGTGGTCTCGATGCTGGGCGGGTTCAGAAACCGGC[T>A]CAGCTCTTGCTGCTGACTCTCTCTCAGGCTGTGGATGATACTGCACGACTGCTGCTGTTT-3'
Protein context (NP_443099.1, residues 1596-1616): SLRESQQQEL[Ser1606Cys]RFLNPPSIET